The following is an entry in ClinVar:

ClinVar aggregate classification (germline): Uncertain significance (1 of 4 stars; one submission).

gnomAD v4.1: 6 of 1,613,920 alleles (0.00037%); highest among the groups gnomAD compares: Non-Finnish European, 0.00051%; no homozygotes.

Submission:

GeneDx
Classification: Uncertain significance. Last evaluated: 2025-06-24. Review status: criteria provided, single submitter. Criteria: GeneDx Variant Classification Process June 2021. Collection method: clinical testing. Allele origin: germline. Affected: yes.
Comment: Not observed at significant frequency in large population cohorts (gnomAD); In silico analysis supports that this missense variant has a deleterious effect on protein structure/function; Has not been previously published as pathogenic or benign to our knowledge

NM_016333.4(SRRM2):c.365A>G (p.His122Arg)

Genes: SRRM2 (serine/arginine repetitive matrix 2; plus strand), LOC126862261 (BRD4-independent group 4 enhancer GRCh37_chr16:2807529-2808728; plus strand). Cytogenetic location: 16p13.3.
Variant type: single nucleotide variant.
Coding change: c.365A>G on transcript NM_016333.4 (MANE Select); coding-DNA position 365, A replaced by G.
Protein change: p.His122Arg; replaces histidine 122 with arginine.
Molecular consequence: missense variant.
Genome position (GRCh38, 1-based): chr16:2,757,795, A>G. VCF-style: chr16-2757795-A-G. GRCh37 (hg19) VCF-style: chr16-2807796-A-G.
Other names: short protein forms H122R.
Identifiers: ClinVar variation 4540069 (VCV004540069.1).
Genomic context (GRCh38, chr16:2,757,795, plus strand): 5'-TCTGTCCTTTATATTTCCTTCAGACTTTTGCCCTTCTTTTCTCTAGGGTCACGGAGACTC[A>G]CCAGTTGGCAGAATTAAATGAGAAGAAGAATGAAAGACTCCGTGCTGCCTTTGGCATCAG-3'
Protein context (NP_057417.3, residues 112-132): PGQRPAVTET[His122Arg]QLAELNEKKN